The following is an entry in ClinVar:

ClinVar aggregate classification (germline): Uncertain significance (1 of 4 stars; one submission).

Allele frequency attached by ClinVar (database versions not stated): gnomAD 0.00001; gnomAD exomes 0.00001; TOPMed 0.00001; ExAC 0.00002.
gnomAD v4.1: 5 of 1,613,814 alleles (0.00031%); highest among the groups gnomAD compares: Non-Finnish European, 0.00034%; no homozygotes.

Submission:

Labcorp Genetics (formerly Invitae), Labcorp
Classification: Uncertain significance. Last evaluated: 2020-02-18. Review status: criteria provided, single submitter. Criteria: Invitae Variant Classification Sherloc (09022015). Collection method: clinical testing. Allele origin: germline.
Comment: This sequence change falls in intron 14 of the ARMC9 gene. It does not directly change the encoded amino acid sequence of the ARMC9 protein, but it affects a nucleotide within the consensus splice site of the intron. This variant is present in population databases (rs749527570, ExAC 0.003%). This variant has not been reported in the literature in individuals with ARMC9-related conditions. Nucleotide substitutions within the consensus splice site are a relatively common cause of aberrant splicing (PMID: 17576681, 9536098). Experimental studies and prediction algorithms are not available or were not evaluated, and the effect of this variant on mRNA splicing is currently unknown. In summary, the available evidence is currently insufficient to determine the role of this variant in disease. Therefore, it has been classified as a Variant of Uncertain Significance.

Literature cited by the submitters: PubMed 17576681; PubMed 9536098.

NM_001352754.2(ARMC9):c.1474+4T>G

Gene: ARMC9 (armadillo repeat containing 9; plus strand). Cytogenetic location: 2q37.1.
Variant type: single nucleotide variant.
Coding change: c.1474+4T>G on transcript NM_001352754.2 (MANE Select); 4 bases into the intron after coding-DNA position 1474, T replaced by G.
Molecular consequence: intron variant.
Genome position (GRCh38, 1-based): chr2:231,276,779, T>G. VCF-style: chr2-231276779-T-G. GRCh37 (hg19) VCF-style: chr2-232141492-T-G.
Other names: c.1474+4T>G (NM_001271466.4, NM_001352755.2, NM_001352756.2 and 3 more transcripts); c.1375+4T>G (NM_001352757.2, NM_001352758.2).
Identifiers: ClinVar variation 965506 (VCV000965506.5), dbSNP rs749527570, ClinGen allele CA2160330.
Genomic context (GRCh38, chr2:231,276,779, plus strand): 5'-ACTACACGCTGGAGTACTCGGTGGCTTTGCTCATGAACCTCTGCCTCCGCAGCACAGGTC[T>G]CAGCCCCGACCCTCATTCTAGTGCAAGAAGGGGAAGAGATCTTGACTCTTGAAGCTGGGT-3'